The following is an entry in ClinVar:

ClinVar aggregate classification (germline): Conflicting classifications of pathogenicity. Review status: criteria provided, conflicting classifications (1 of 4 stars). 3 submissions from 3 submitters: Pathogenic (1); Uncertain significance (2). Last evaluated 2024-01-02.

Conditions:
Familial thoracic aortic aneurysm and aortic dissection (TAAD). Also called: Thoracic aortic aneurysms and dissections. Identifiers: Orphanet 91387, MedGen C4707243, MONDO:0019625.
Marfan syndrome (MFS). Also called: Marfan syndrome, classic; Marfan syndrome type 1; Marfan's syndrome; MARFAN SYNDROME, TYPE I; FBN1-Related Marfan Syndrome. Identifiers: Orphanet 284963, Orphanet 558, MedGen C0024796, MONDO:0007947, OMIM 154700.

Submissions (3):

Labcorp Genetics (formerly Invitae), Labcorp
Classification: Pathogenic for Marfan syndrome; Familial thoracic aortic aneurysm and aortic dissection. Last evaluated: 2024-01-02. Review status: criteria provided, single submitter. Criteria: Invitae Variant Classification Sherloc (09022015). Collection method: clinical testing. Allele origin: germline.
Comment: This sequence change falls in intron 58 of the FBN1 gene. It does not directly change the encoded amino acid sequence of the FBN1 protein. It affects a nucleotide within the consensus splice site. This variant is not present in population databases (gnomAD no frequency). This variant has been observed in individuals with Marfan syndrome (Invitae; external communication). It has also been observed to segregate with disease in related individuals. ClinVar contains an entry for this variant (Variation ID: 372922). Variants that disrupt the consensus splice site are a relatively common cause of aberrant splicing (PMID: 17576681, 9536098). Algorithms developed to predict the effect of sequence changes on RNA splicing suggest that this variant may disrupt the consensus splice site. For these reasons, this variant has been classified as Pathogenic.

GeneDx
Classification: Uncertain significance. Last evaluated: 2023-06-01. Review status: criteria provided, single submitter. Criteria: GeneDx Variant Classification Process June 2021. Collection method: clinical testing. Allele origin: germline. Affected: yes.
Comment: Has not been previously published as pathogenic or benign to our knowledge; Not observed at significant frequency in large population cohorts (gnomAD); In silico analysis supports that this variant does not alter splicing

Ambry Genetics
Classification: Uncertain significance for Familial thoracic aortic aneurysm and aortic dissection. Last evaluated: 2020-11-22. Review status: criteria provided, single submitter. Criteria: Ambry Variant Classification Scheme 2023. Collection method: clinical testing. Allele origin: germline.
Comment: The c.7204+3A>G intronic variant results from an A to G substitution 3 nucleotides after coding exon 57 in the FBN1 gene. This nucleotide position is highly conserved in available vertebrate species. In silico splice site analysis predicts that this alteration will not have any significant effect on splicing. Since supporting evidence is limited at this time, the clinical significance of this alteration remains unclear.

Literature cited by the submitters: PubMed 17576681 (cited by Labcorp Genetics (formerly Invitae), Labcorp); PubMed 9536098 (cited by Labcorp Genetics (formerly Invitae), Labcorp).

NM_000138.5(FBN1):c.7204+3A>G

Gene: FBN1 (fibrillin 1; minus strand). Cytogenetic location: 15q21.1.
Variant type: single nucleotide variant.
Coding change: c.7204+3A>G on transcript NM_000138.5 (MANE Select); 3 bases into the intron after coding-DNA position 7204, A replaced by G.
Molecular consequence: intron variant.
Genome position (GRCh38, 1-based): chr15:48,427,564, T>C on the plus strand (A>G on the coding strand, the complement: FBN1 is on the minus strand). VCF-style: chr15-48427564-T-C. GRCh37 (hg19) VCF-style: chr15-48719761-T-C.
Identifiers: ClinVar variation 372922 (VCV000372922.12), dbSNP rs1057518076, ClinGen allele CA16042935.